The following is an entry in ClinVar:

NM_198578.4(LRRK2):c.2519C>T (p.Ala840Val)

Gene: LRRK2 (leucine rich repeat kinase 2; plus strand). Cytogenetic location: 12q12.
Variant type: single nucleotide variant.
Coding change: c.2519C>T on transcript NM_198578.4 (MANE Select); coding-DNA position 2519, C replaced by T.
Protein change: p.Ala840Val; replaces alanine 840 with valine.
Molecular consequence: missense variant.
Genome position (GRCh38, 1-based): chr12:40,287,369, C>T. VCF-style: chr12-40287369-C-T. GRCh37 (hg19) VCF-style: chr12-40681171-C-T.
Other names: c.2519C>T (NM_198578.3); short protein forms A840V.
Identifiers: ClinVar variation 2158944 (VCV002158944.5), dbSNP rs1294121455, ClinGen allele CA384408580.

ClinVar aggregate classification (germline): Uncertain significance. Review status: criteria provided, multiple submitters, no conflicts (2 of 4 stars). 2 submissions from 2 submitters: Uncertain significance (2). Last evaluated 2023-10-15.

Conditions:
Inborn genetic diseases. Identifiers: MedGen C0950123, MeSH D030342.
Autosomal dominant Parkinson disease 8. Also called: LRRK2-Related Parkinson Disease; Parkinson disease 8; Parkinson disease 8, susceptibility to. Identifiers: Orphanet 411602, MedGen C1846862, MONDO:0011764, OMIM 607060.

Submissions (2):

Ambry Genetics
Classification: Uncertain significance for Inborn genetic diseases. Last evaluated: 2023-10-15. Review status: criteria provided, single submitter. Criteria: Ambry Variant Classification Scheme 2023. Collection method: clinical testing. Allele origin: germline.
Comment: The p.A840V variant (also known as c.2519C>T), located in coding exon 20 of the LRRK2 gene, results from a C to T substitution at nucleotide position 2519. The alanine at codon 840 is replaced by valine, an amino acid with similar properties. This amino acid position is conserved. In addition, the in silico prediction for this alteration is inconclusive. Since supporting evidence is limited at this time, the clinical significance of this alteration remains unclear.

Labcorp Genetics (formerly Invitae), Labcorp
Classification: Uncertain significance for Autosomal dominant Parkinson disease 8. Last evaluated: 2021-12-06. Review status: criteria provided, single submitter. Criteria: Invitae Variant Classification Sherloc (09022015). Collection method: clinical testing. Allele origin: germline.
Comment: Algorithms developed to predict the effect of sequence changes on RNA splicing suggest that this variant may create or strengthen a splice site. In summary, the available evidence is currently insufficient to determine the role of this variant in disease. Therefore, it has been classified as a Variant of Uncertain Significance. This sequence change replaces alanine, which is neutral and non-polar, with valine, which is neutral and non-polar, at codon 840 of the LRRK2 protein (p.Ala840Val). This variant is not present in population databases (gnomAD no frequency). This variant has not been reported in the literature in individuals affected with LRRK2-related conditions. Algorithms developed to predict the effect of missense changes on protein structure and function are either unavailable or do not agree on the potential impact of this missense change (SIFT: "Tolerated"; PolyPhen-2: "Probably Damaging"; Align-GVGD: "Class C0").